The following is an entry in ClinVar:

ClinVar aggregate classification (germline): Likely benign (1 of 4 stars; one submission).

Conditions:
SEMA3C-related disorder. Also called: SEMA3C-related condition.

Submission:

PreventionGenetics, part of Exact Sciences
Classification: Likely benign for SEMA3C-related condition. Last evaluated: 2025-05-07. Review status: criteria provided, single submitter. Criteria: ACMG Guidelines, 2015. Collection method: clinical testing. Allele origin: germline.
Comment: This variant is classified as likely benign based on ACMG/AMP sequence variant interpretation guidelines (Richards et al. 2015 PMID: 25741868, with internal and published modifications).

NM_006379.5(SEMA3C):c.1509T>C (p.Asn503=)

Gene: SEMA3C (semaphorin 3C; minus strand). Cytogenetic location: 7q21.11.
Variant type: single nucleotide variant.
Coding change: c.1509T>C on transcript NM_006379.5 (MANE Select); coding-DNA position 1509, T replaced by C.
Protein change: p.Asn503=; no amino-acid change (asparagine 503 retained).
Molecular consequence: synonymous variant.
Genome position (GRCh38, 1-based): chr7:80,758,465, A>G on the plus strand (T>C on the coding strand, the complement: SEMA3C is on the minus strand). VCF-style: chr7-80758465-A-G. GRCh37 (hg19) VCF-style: chr7-80387781-A-G.
Other names: c.1563T>C, p.Asn521= (NM_001350120.2); c.1335T>C, p.Asn445= (NM_001350121.2).
Identifiers: ClinVar variation 4997102 (VCV004997102.1).